The following is an entry in ClinVar:

ClinVar aggregate classification (germline): Uncertain significance (1 of 4 stars; one submission).

gnomAD v4.1: 2 of 1,612,572 alleles (0.00012%); highest among the groups gnomAD compares: Non-Finnish European, 0.00017%; no homozygotes.

Submission:

Ambry Genetics
Classification: Uncertain significance. Last evaluated: 2024-12-08. Review status: criteria provided, single submitter. Criteria: Ambry Variant Classification Scheme 2023. Collection method: clinical testing. Allele origin: germline.
Comment: The p.Q151K variant (also known as c.451C>A), located in coding exon 3 of the ATRIP gene, results from a C to A substitution at nucleotide position 451. The glutamine at codon 151 is replaced by lysine, an amino acid with similar properties. This amino acid position is conserved. In addition, the in silico prediction for this alteration is inconclusive. Based on the available evidence, the clinical significance of this variant remains unclear.

NM_130384.3(ATRIP):c.451C>A (p.Gln151Lys)

Genes: ATRIP (ATR interacting protein; plus strand), ATRIP-TREX1 (ATRIP-TREX1 readthrough; plus strand). Cytogenetic location: 3p21.31.
Variant type: single nucleotide variant.
Coding change: c.451C>A on transcript NM_130384.3 (MANE Select); coding-DNA position 451, C replaced by A.
Protein change: p.Gln151Lys; replaces glutamine 151 with lysine.
Molecular consequence: missense variant. On other transcripts: non-coding transcript variant (1).
Genome position (GRCh38, 1-based): chr3:48,451,798, C>A. VCF-style: chr3-48451798-C-A. GRCh37 (hg19) VCF-style: chr3-48493204-C-A.
Other names: c.70C>A, p.Gln24Lys (NM_001271022.2); c.172C>A, p.Gln58Lys (NM_001271023.2); c.451C>A, p.Gln151Lys (NM_032166.4); short protein forms Q24K, Q58K, Q151K.
Identifiers: ClinVar variation 3465245 (VCV003465245.1).